The following is an entry in ClinVar:

ClinVar aggregate classification (germline): Pathogenic (1 of 4 stars; one submission).

Conditions:
Meckel-Gruber syndrome. Also called: GRUBER SYNDROME; DYSENCEPHALIA SPLANCHNOCYSTICA; Dysencephalia splachnocystica. Identifiers: Orphanet 564, MedGen C0265215, MONDO:0018921.
Joubert syndrome. Also called: Familial aplasia of the vermis; JOUBERT-BOLTSHAUSER SYNDROME; CEREBELLOPARENCHYMAL DISORDER IV. Identifiers: Orphanet 475, MedGen C5979921, MONDO:0018772.

Submission:

Labcorp Genetics (formerly Invitae), Labcorp
Classification: Pathogenic for Joubert syndrome; Meckel-Gruber syndrome. Last evaluated: 2025-10-14. Review status: criteria provided, single submitter. Criteria: Invitae Variant Classification Sherloc (09022015). Collection method: clinical testing. Allele origin: germline.
Comment: This sequence change creates a premature translational stop signal (p.Ala7Glyfs*50) in the TMEM67 gene. It is expected to result in an absent or disrupted protein product. Loss-of-function variants in TMEM67 are known to be pathogenic (PMID: 20232449, 23559409). This variant is present in population databases (no rsID available, gnomAD 0.003%). This variant has not been reported in the literature in individuals affected with TMEM67-related conditions. For these reasons, this variant has been classified as Pathogenic.

Literature cited by the submitters: PubMed 20232449; PubMed 23559409.

NM_153704.6(TMEM67):c.19dup (p.Ala7fs)

Gene: TMEM67 (transmembrane protein 67; plus strand). Cytogenetic location: 8q22.1.
Variant type: Duplication.
Coding change: c.19dup on transcript NM_153704.6 (MANE Select); coding-DNA position 19, one base duplicated (G; older notation c.19dupG).
Protein change: p.Ala7fs; shifts the reading frame from alanine 7.
Molecular consequence: frameshift variant. On other transcripts: non-coding transcript variant (1), intron variant (1).
Genome position (GRCh38, 1-based): chr8:93,754,933, G duplicated; the last of 4 consecutive G bases (chr8:93,754,930-93,754,933); duplicating any one gives the same sequence. VCF-style (leftmost placement, unchanged base first): chr8-93754929-T-TG. GRCh37 (hg19) VCF-style: chr8-94767157-T-TG.
Other names: c.-180+24dup (NM_001142301.1); short protein forms A7fs.
Identifiers: ClinVar variation 4791735 (VCV004791735.1).